The following is an entry in ClinVar:

NM_001367624.2(ZNF469):c.9559G>A (p.Val3187Ile)

Gene: ZNF469 (zinc finger protein 469; plus strand). Cytogenetic location: 16q24.2.
Variant type: single nucleotide variant.
Coding change: c.9559G>A on transcript NM_001367624.2 (MANE Select); coding-DNA position 9559, G replaced by A.
Protein change: p.Val3187Ile; replaces valine 3187 with isoleucine.
Molecular consequence: missense variant.
Genome position (GRCh38, 1-based): chr16:88,437,029, G>A. VCF-style: chr16-88437029-G-A. GRCh37 (hg19) VCF-style: chr16-88503437-G-A.
Other names: NM_001127464.1:c.9475G>A; short protein forms V3187I.
Identifiers: ClinVar variation 1496896 (VCV001496896.7), dbSNP rs1370395636, ClinGen allele CA397124224.

ClinVar aggregate classification (germline): Uncertain significance. Review status: criteria provided, multiple submitters, no conflicts (2 of 4 stars). 2 submissions from 2 submitters: Uncertain significance (2). Last evaluated 2024-08-31.

Conditions:
Cardiovascular phenotype. Identifiers: MedGen CN230736.

Allele frequency attached by ClinVar (database versions not stated): gnomAD 0.00001; gnomAD exomes 0.00001 and 0.00002; 1000 Genomes Project 30x 0.00016.
gnomAD v4.1: 14 of 1,531,272 alleles (0.00091%); highest among the groups gnomAD compares: Non-Finnish European, 0.0011%; no homozygotes.

Submissions (2):

Ambry Genetics
Classification: Uncertain significance for Cardiovascular phenotype. Last evaluated: 2024-08-31. Review status: criteria provided, single submitter. Criteria: Ambry Variant Classification Scheme 2023. Collection method: clinical testing. Allele origin: germline.
Comment: The p.V3159I variant (also known as c.9475G>A), located in coding exon 2 of the ZNF469 gene, results from a G to A substitution at nucleotide position 9475. The valine at codon 3159 is replaced by isoleucine, an amino acid with highly similar properties. This amino acid position is conserved. In addition, this alteration is predicted to be tolerated by in silico analysis. Based on the available evidence, the clinical significance of this variant remains unclear.

Labcorp Genetics (formerly Invitae), Labcorp
Classification: Uncertain significance. Last evaluated: 2023-05-15. Review status: criteria provided, single submitter. Criteria: Invitae Variant Classification Sherloc (09022015). Collection method: clinical testing. Allele origin: germline.
Comment: This sequence change replaces valine, which is neutral and non-polar, with isoleucine, which is neutral and non-polar, at codon 3159 of the ZNF469 protein (p.Val3159Ile). In summary, the available evidence is currently insufficient to determine the role of this variant in disease. Therefore, it has been classified as a Variant of Uncertain Significance. Algorithms developed to predict the effect of missense changes on protein structure and function output the following: SIFT: "Not Available"; PolyPhen-2: "Benign"; Align-GVGD: "Not Available". The isoleucine amino acid residue is found in multiple mammalian species, which suggests that this missense change does not adversely affect protein function. ClinVar contains an entry for this variant (Variation ID: 1496896). This variant has not been reported in the literature in individuals affected with ZNF469-related conditions. The frequency data for this variant in the population databases is considered unreliable, as metrics indicate poor data quality at this position in the gnomAD database.